The following is an entry in ClinVar:

ClinVar aggregate classification (germline): Likely pathogenic (1 of 4 stars; one submission).

Conditions:
Autosomal dominant LRP5-related disorders.

gnomAD v4.1: 1 of 1,613,342 alleles (0.000062%); highest among the groups gnomAD compares: Non-Finnish European, 0.000085%; no homozygotes.

Submission:

Variantyx, Inc.
Classification: Likely pathogenic for Autosomal dominant LRP5-related disorders. Last evaluated: 2025-12-03. Review status: criteria provided, single submitter. Criteria: Variantyx Assertion Criteria 2022. Collection method: clinical testing. Allele origin: germline. Inheritance: Autosomal dominant inheritance. Affected: yes.
Comment: This is a nonsense variant in the LRP5 gene (OMIM: 603506). Pathogenic variants in this gene have been associated with autosomal dominant LRP5-related disorders. This variant introduces a premature termination codon in exon 12 out of 23 and is expected to result in loss of function, which is a known disease mechanism for LRP5 in these disorders (PMID: 15981244) (PVS1). This variant has a 0.0001% maximum allele frequency in non-founder control populations (PM2) and it has not been reported in individuals with LRP5-related disorders in the databases available for review. Based on the current evidence, this variant is classified as likely pathogenic for autosomal dominant LRP5-related disorders.

Literature cited by the submitters: PubMed 15981244.

NM_002335.4(LRP5):c.2588G>A (p.Trp863Ter)

Gene: LRP5 (LDL receptor related protein 5; plus strand). Cytogenetic location: 11q13.2.
Variant type: single nucleotide variant.
Coding change: c.2588G>A on transcript NM_002335.4 (MANE Select); coding-DNA position 2588, G replaced by A.
Protein change: p.Trp863Ter; replaces tryptophan 863 with a stop codon.
Molecular consequence: nonsense.
Genome position (GRCh38, 1-based): chr11:68,413,773, G>A. VCF-style: chr11-68413773-G-A. GRCh37 (hg19) VCF-style: chr11-68181241-G-A.
Other names: c.845G>A, p.Trp282Ter (NM_001291902.2); short protein forms W282*, W863*.
Identifiers: ClinVar variation 4850143 (VCV004850143.1).